The following is an entry in ClinVar:

NM_004991.4(MECOM):c.2303G>A (p.Ser768Asn)

Gene: MECOM (MDS1 and EVI1 complex locus; minus strand). Cytogenetic location: 3q26.2.
Variant type: single nucleotide variant.
Coding change: c.2303G>A on transcript NM_004991.4 (MANE Select); coding-DNA position 2303, G replaced by A.
Protein change: p.Ser768Asn; replaces serine 768 with asparagine.
Molecular consequence: missense variant.
Genome position (GRCh38, 1-based): chr3:169,115,569, C>T on the plus strand (G>A on the coding strand, the complement: MECOM is on the minus strand). VCF-style: chr3-169115569-C-T. GRCh37 (hg19) VCF-style: chr3-168833357-C-T.
Other names: c.2303G>A (NM_004991.3); c.1934G>A, p.Ser645Asn (NM_001105077.4); c.1739G>A, p.Ser580Asn (NM_001105078.4, NM_001164000.2, NM_001205194.2 and 4 more transcripts); c.1742G>A, p.Ser581Asn (NM_001163999.2, NM_001366467.2, NM_001366468.2 and 1 more transcripts); c.2303G>A, p.Ser768Asn (NM_001366466.2); c.1331G>A, p.Ser444Asn (NM_001366473.2); c.767G>A, p.Ser256Asn (NM_001366474.2); short protein forms S580N, S581N, S645N, S444N, S768N, S256N.
Identifiers: ClinVar variation 2071087 (VCV002071087.8), dbSNP rs140418646, ClinGen allele CA2696204.

ClinVar aggregate classification (germline): Conflicting classifications of pathogenicity. Review status: criteria provided, conflicting classifications (1 of 4 stars). 4 submissions from 4 submitters: Uncertain significance (2); Likely benign (2). Last evaluated 2026-01-30.

Conditions:
Inborn genetic diseases. Identifiers: MedGen C0950123, MeSH D030342.
MECOM-related disorder. Also called: MECOM-related condition.

Allele frequency attached by ClinVar (database versions not stated): ESP Exome Variant Server 0.00008; TOPMed 0.00009; ExAC 0.00010; gnomAD exomes 0.00010; gnomAD 0.00014; 1000 Genomes Project 30x 0.00078; 1000 Genomes Project 0.00100.
gnomAD v4.1: 177 of 1,614,088 alleles (0.011%); highest among the groups gnomAD compares: Middle Eastern, 0.36%; no homozygotes.

Submissions (4):

PreventionGenetics, part of Exact Sciences
Classification: Likely benign for MECOM-related condition. Last evaluated: 2026-01-30. Review status: criteria provided, single submitter. Criteria: ACMG Guidelines, 2015. Collection method: clinical testing. Allele origin: germline.
Comment: This variant is classified as likely benign based on ACMG/AMP sequence variant interpretation guidelines (Richards et al. 2015 PMID: 25741868, with internal and published modifications).

Labcorp Genetics (formerly Invitae), Labcorp
Classification: Uncertain significance. Last evaluated: 2025-12-29. Review status: criteria provided, single submitter. Criteria: Invitae Variant Classification Sherloc (09022015). Collection method: clinical testing. Allele origin: germline.
Comment: This sequence change replaces serine, which is neutral and polar, with asparagine, which is neutral and polar, at codon 580 of the MECOM protein (p.Ser580Asn). This variant is present in population databases (rs140418646, gnomAD 0.02%). This variant has not been reported in the literature in individuals affected with MECOM-related conditions. ClinVar contains an entry for this variant (Variation ID: 2071087). An algorithm developed to predict the effect of missense changes on protein structure and function (PolyPhen-2) suggests that this variant is likely to be tolerated. In summary, the available evidence is currently insufficient to determine the role of this variant in disease. Therefore, it has been classified as a Variant of Uncertain Significance.

Ambry Genetics
Classification: Uncertain significance for Inborn genetic diseases. Last evaluated: 2025-08-02. Review status: criteria provided, single submitter. Criteria: Ambry Variant Classification Scheme 2023. Collection method: clinical testing. Allele origin: germline.

Blueprint Genetics
Classification: Likely benign. Last evaluated: 2024-08-12. Review status: criteria provided, single submitter. Criteria: ACMG Guidelines, 2015. Collection method: clinical testing. Allele origin: germline.